The following is an entry in ClinVar:

ClinVar aggregate classification (germline): Pathogenic. Review status: criteria provided, multiple submitters, no conflicts (2 of 4 stars). 3 submissions from 3 submitters: Pathogenic (3). Last evaluated 2026-05-27.

Conditions:
Familial adenomatous polyposis 1 (FAP1). Also called: FAMILIAL ADENOMATOUS POLYPOSIS 1, ATTENUATED; POLYPOSIS, ADENOMATOUS INTESTINAL. Identifiers: MedGen C2713442, MONDO:0021056, OMIM 175100. Disease mechanism: loss of function.
Hereditary cancer-predisposing syndrome. Also called: Tumor predisposition; Hereditary Cancer Syndrome; Neoplastic Syndromes, Hereditary; Hereditary neoplastic syndrome. Identifiers: Orphanet 140162, MedGen C0027672, MeSH D009386, MONDO:0015356.

Submissions (3):

Ambry Genetics
Classification: Pathogenic for Hereditary cancer-predisposing syndrome. Last evaluated: 2026-05-27. Review status: criteria provided, single submitter. Criteria: Ambry Variant Classification Scheme 2023. Collection method: clinical testing. Allele origin: germline.
Comment: The p.S1068* pathogenic mutation (also known as c.3203C>A), located in coding exon 15 of the APC gene, results from a C to A substitution at nucleotide position 3203. This changes the amino acid from a serine to a stop codon within coding exon 15. This variant occurs at the 3' terminus of the gene, is not expected to trigger nonsense-mediated mRNA decay, and impacts the last 62% of the protein. However, premature stop codons are typically deleterious in nature and a significant portion of the protein is affected (Ambry internal data). This variant was reported in individual(s) with features consistent with APC-related familial adenomatous polyposis (Ambry internal data). This variant is considered to be rare based on population cohorts in the Genome Aggregation Database (gnomAD). Based on the supporting evidence, this variant is interpreted as a disease-causing mutation.

Labcorp Genetics (formerly Invitae), Labcorp
Classification: Pathogenic for Familial adenomatous polyposis 1. Last evaluated: 2025-07-15. Review status: criteria provided, single submitter. Criteria: Invitae Variant Classification Sherloc (09022015). Collection method: clinical testing. Allele origin: germline.
Comment: This sequence change creates a premature translational stop signal (p.Ser1068*) in the APC gene. While this is not anticipated to result in nonsense mediated decay, it is expected to disrupt the last 1776 amino acid(s) of the APC protein. This variant is not present in population databases (gnomAD no frequency). This premature translational stop signal has been observed in individual(s) with familial adenomatous polyposis (PMID: 20685668). ClinVar contains an entry for this variant (Variation ID: 579696). This variant is expected to disrupt the EB1 and HDLG binding sites, which mediate interactions with the cytoskeleton (PMID: 15311282, 17293347). While functional studies have not been performed to directly test the effect on APC protein function, this suggests that disruption of the C-terminal portion of the protein is functionally important. A different truncation (p.Tyr2645Lysfs*14) that lies downstream of this variant has been determined to be pathogenic (PMID: 9824584, 1316610, 27081525, 8381579, 22135120, internal data). This suggests that deletion of this region of the APC protein is causative of disease. For these reasons, this variant has been classified as Pathogenic.

Myriad Genetics, Inc.
Classification: Pathogenic for Familial adenomatous polyposis 1. Last evaluated: 2023-05-08. Review status: criteria provided, single submitter. Criteria: Myriad Autosomal Dominant, Autosomal Recessive and X-Linked Classification Criteria (2023). Collection method: clinical testing. Allele origin: unknown.
Comment: This variant is considered pathogenic. This variant creates a termination codon and is predicted to result in premature protein truncation.

Literature cited by the submitters: PubMed 20685668 (cited by Labcorp Genetics (formerly Invitae), Labcorp); PubMed 15311282 (cited by Labcorp Genetics (formerly Invitae), Labcorp); PubMed 17293347 (cited by Labcorp Genetics (formerly Invitae), Labcorp); PubMed 9824584 (cited by Labcorp Genetics (formerly Invitae), Labcorp); PubMed 1316610 (cited by Labcorp Genetics (formerly Invitae), Labcorp); PubMed 27081525 (cited by Labcorp Genetics (formerly Invitae), Labcorp); PubMed 8381579 (cited by Labcorp Genetics (formerly Invitae), Labcorp); PubMed 22135120 (cited by Labcorp Genetics (formerly Invitae), Labcorp).

NM_000038.6(APC):c.3203C>A (p.Ser1068Ter)

Gene: APC (APC regulator of Wnt signaling pathway; plus strand). Cytogenetic location: 5q22.2.
Variant type: single nucleotide variant.
Coding change: c.3203C>A on transcript NM_000038.6 (MANE Select); coding-DNA position 3203, C replaced by A.
Protein change: p.Ser1068Ter; replaces serine 1068 with a stop codon.
Molecular consequence: nonsense.
Genome position (GRCh38, 1-based): chr5:112,838,797, C>A. VCF-style: chr5-112838797-C-A. GRCh37 (hg19) VCF-style: chr5-112174494-C-A.
Other names: c.3203C>A, p.Ser1068Ter (NM_001127510.3, NM_001354895.2); c.3149C>A, p.Ser1050Ter (NM_001127511.3); c.3257C>A, p.Ser1086Ter (NM_001354896.2); c.3233C>A, p.Ser1078Ter (NM_001354897.2); c.3128C>A, p.Ser1043Ter (NM_001354898.2); c.3119C>A, p.Ser1040Ter (NM_001354899.2); c.3080C>A, p.Ser1027Ter (NM_001354900.2); c.3026C>A, p.Ser1009Ter (NM_001354901.2); and 5 more; short protein forms S1068*, S1050*, S1040*, S1043*, S1027*, S1078*, S785*, S942*.
Identifiers: ClinVar variation 579696 (VCV000579696.14), dbSNP rs1554084848, ClinGen allele CA16028360.